The following is an entry in ClinVar:

NM_019066.5(MAGEL2):c.1547C>T (p.Ala516Val)

Gene: MAGEL2 (MAGE family member L2; minus strand). Cytogenetic location: 15q11.2.
Variant type: single nucleotide variant.
Coding change: c.1547C>T on transcript NM_019066.5 (MANE Select); coding-DNA position 1547, C replaced by T.
Protein change: p.Ala516Val; replaces alanine 516 with valine.
Molecular consequence: missense variant.
Genome position (GRCh38, 1-based): chr15:23,646,196, G>A on the plus strand (C>T on the coding strand, the complement: MAGEL2 is on the minus strand). VCF-style: chr15-23646196-G-A. GRCh37 (hg19) VCF-style: chr15-23891343-G-A.
Other names: short protein forms A516V.
Identifiers: ClinVar variation 4874959 (VCV004874959.2).
Genomic context (GRCh38, chr15:23,646,196, plus strand): 5'-ACCTGCGGGGCCGGCAGCCTAGCCTGCGGGGCCTGCCGCAGTGGAGGTGGGGGTGGCAGG[G>A]CCTGCCAGAGCGGTGGCTGGGTGGCCAGGACCTGTGGGGCAGGTCGGATGGGCGGCGGCG-3'
Protein context (NP_061939.3, residues 506-526): VLATQPPLWQ[Ala516Val]LPPPPPLRQA

ClinVar aggregate classification (germline): Likely benign (1 of 4 stars; one submission).

Submission:

CeGaT Center for Human Genetics Tuebingen
Classification: Likely benign. Last evaluated: 2026-05-01. Review status: criteria provided, single submitter. Criteria: CeGaT Center For Human Genetics Tuebingen Variant Classification Criteria Version 2. Collection method: clinical testing. Allele origin: germline. Affected: yes. Observed: 1 variant allele.
Comment: MAGEL2: BP1